The following is an entry in ClinVar:

NM_006431.3(CCT2):c.355A>G (p.Lys119Glu)

Gene: CCT2 (chaperonin containing TCP1 subunit 2; plus strand). Cytogenetic location: 12q15.
Variant type: single nucleotide variant.
Coding change: c.355A>G on transcript NM_006431.3 (MANE Select); coding-DNA position 355, A replaced by G.
Protein change: p.Lys119Glu; replaces lysine 119 with glutamic acid.
Molecular consequence: missense variant.
Genome position (GRCh38, 1-based): chr12:69,588,171, A>G. VCF-style: chr12-69588171-A-G. GRCh37 (hg19) VCF-style: chr12-69981951-A-G.
Other names: c.214A>G, p.Lys72Glu (NM_001198842.2); short protein forms K72E, K119E.
Identifiers: ClinVar variation 3651196 (VCV003651196.2).
Genomic context (GRCh38, chr12:69,588,171, plus strand): 5'-TTTCTATTTATAACTTTTGTTTTATAACTTTATTAATAGGAAGCAGAATCTTTAATTGCA[A>G]AAAAGATTCATCCACAGACCATCATAGCGGGTTGGAGAGAAGCCACGAAGGCTGCAAGAG-3'
Protein context (NP_006422.1, residues 109-129): LLREAESLIA[Lys119Glu]KIHPQTIIAG

ClinVar aggregate classification (germline): Uncertain significance (1 of 4 stars; one submission).

Submission:

Labcorp Genetics (formerly Invitae), Labcorp
Classification: Uncertain significance. Last evaluated: 2024-05-29. Review status: criteria provided, single submitter. Criteria: Invitae Variant Classification Sherloc (09022015). Collection method: clinical testing. Allele origin: germline.
Comment: This sequence change replaces lysine, which is basic and polar, with glutamic acid, which is acidic and polar, at codon 119 of the CCT2 protein (p.Lys119Glu). This variant is not present in population databases (gnomAD no frequency). This variant has not been reported in the literature in individuals affected with CCT2-related conditions. An algorithm developed to predict the effect of missense changes on protein structure and function (PolyPhen-2) suggests that this variant is likely to be tolerated. In summary, the available evidence is currently insufficient to determine the role of this variant in disease. Therefore, it has been classified as a Variant of Uncertain Significance.